The following is an entry in ClinVar:

ClinVar aggregate classification (germline): Uncertain significance (1 of 4 stars; one submission).

Conditions:
Epidermolysis bullosa simplex 5C, with pyloric atresia (EBS5C). Also called: PLEC-Related Epidermolysis Bullosa with Pyloric Atresia; Epidermolysis bullosa simplex with pyloric atresia; PLEC1-Related Epidermolysis Bullosa with Pyloric Atresia. Identifiers: Orphanet 158684, MedGen C2677349, MONDO:0012807, OMIM 612138.
Epidermolysis bullosa simplex with nail dystrophy (EBS5D). Identifiers: MedGen C4225309, MONDO:0014661, OMIM 616487.
Epidermolysis bullosa simplex 5B, with muscular dystrophy (EBS5B). Also called: Epidermolysis bullosa simplex with muscular dystrophy; EPIDERMOLYSIS BULLOSA SIMPLEX AND LIMB-GIRDLE MUSCULAR DYSTROPHY. Identifiers: Orphanet 257, MedGen C2931072, MONDO:0009181, OMIM 226670.
Autosomal recessive limb-girdle muscular dystrophy type 2Q (LGMDR17). Also called: MUSCULAR DYSTROPHY, LIMB-GIRDLE, AUTOSOMAL RECESSIVE 17. Identifiers: Orphanet 254361, MedGen C3150989, MONDO:0013390, OMIM 613723.
Epidermolysis bullosa simplex, Ogna type (EBS5A). Also called: Pidermolysis bullosa simplex 5A, Ogna type; EPIDERMOLYSIS BULLOSA SIMPLEX 5A, OGNA TYPE. Identifiers: Orphanet 79401, MedGen C0432317, MONDO:0007555, OMIM 131950.

gnomAD v4.1: 2 of 1,613,084 alleles (0.00012%); highest among the groups gnomAD compares: Non-Finnish European, 0.00017%; no homozygotes.

Submission:

Labcorp Genetics (formerly Invitae), Labcorp
Classification: Uncertain significance for Autosomal recessive limb-girdle muscular dystrophy type 2Q; Epidermolysis bullosa simplex, Ogna type; Epidermolysis bullosa simplex with nail dystrophy; Epidermolysis bullosa simplex 5C, with pyloric atresia; Epidermolysis bullosa simplex 5B, with muscular dystrophy. Last evaluated: 2025-01-27. Review status: criteria provided, single submitter. Criteria: Invitae Variant Classification Sherloc (09022015). Collection method: clinical testing. Allele origin: germline.
Comment: This sequence change replaces serine, which is neutral and polar, with cysteine, which is neutral and slightly polar, at codon 1338 of the PLEC protein (p.Ser1338Cys). This variant is not present in population databases (gnomAD no frequency). This variant has not been reported in the literature in individuals affected with PLEC-related conditions. ClinVar contains an entry for this variant (Variation ID: 573187). Invitae Evidence Modeling of protein sequence and biophysical properties (such as structural, functional, and spatial information, amino acid conservation, physicochemical variation, residue mobility, and thermodynamic stability) indicates that this missense variant is not expected to disrupt PLEC protein function with a negative predictive value of 80%. In summary, the available evidence is currently insufficient to determine the role of this variant in disease. Therefore, it has been classified as a Variant of Uncertain Significance.

NM_201384.3(PLEC):c.3931A>T (p.Ser1311Cys)

Gene: PLEC (plectin; minus strand). Cytogenetic location: 8q24.3.
Variant type: single nucleotide variant.
Coding change: c.3931A>T on transcript NM_201384.3 (MANE Select); coding-DNA position 3931, A replaced by T.
Protein change: p.Ser1311Cys; replaces serine 1311 with cysteine.
Molecular consequence: missense variant.
Genome position (GRCh38, 1-based): chr8:143,926,991, T>A on the plus strand (A>T on the coding strand, the complement: PLEC is on the minus strand). VCF-style: chr8-143926991-T-A. GRCh37 (hg19) VCF-style: chr8-145001159-T-A.
Other names: c.4012A>T, p.Ser1338Cys (NM_000445.5); c.3889A>T, p.Ser1297Cys (NM_201378.4); c.3865A>T, p.Ser1289Cys (NM_201379.3); c.4342A>T, p.Ser1448Cys (NM_201380.4); c.3835A>T, p.Ser1279Cys (NM_201381.3); c.3931A>T, p.Ser1311Cys (NM_201382.4); c.3943A>T, p.Ser1315Cys (NM_201383.3); short protein forms S1289C, S1315C, S1338C, S1297C, S1311C, S1279C, S1448C.
Identifiers: ClinVar variation 573187 (VCV000573187.3), dbSNP rs1564076498, ClinGen allele CA372563664.